The following is an entry in ClinVar:

NM_000346.4(SOX9):c.*932_*933del

Gene: SOX9 (SRY-box transcription factor 9; plus strand). Cytogenetic location: 17q24.3.
Variant type: Deletion.
Coding change: c.*932_*933del on transcript NM_000346.4 (MANE Select); 932 bases downstream of the stop codon through 933 bases downstream of the stop codon, 2 bases deleted (AA; older notation c.*932_*933delAA).
Molecular consequence: 3 prime UTR variant.
Genome position (GRCh38, 1-based): chr17:72,125,319-72,125,320, AA deleted; deleting any 2 consecutive bases within chr17:72,125,318-72,125,320 gives the same sequence; the c. name uses the placement nearest the transcript's 3' end. VCF-style (leftmost placement, unchanged base first): chr17-72125317-GAA-G. GRCh37 (hg19) VCF-style: chr17-70121458-GAA-G.
Identifiers: ClinVar variation 324935 (VCV000324935.29), dbSNP rs755085270, ClinGen allele CA10650008.

ClinVar aggregate classification (germline): Benign (1 of 4 stars; one submission).

Submission:

CeGaT Center for Human Genetics Tuebingen
Classification: Benign. Last evaluated: 2022-04-01. Review status: criteria provided, single submitter. Criteria: CeGaT Center For Human Genetics Tuebingen Variant Classification Criteria Version 2. Collection method: clinical testing. Allele origin: germline. Affected: yes. Observed: 1 variant allele.
Comment: SOX9: BS1, BS2